The following is an entry in ClinVar:

ClinVar aggregate classification (germline): Benign. Review status: criteria provided, multiple submitters, no conflicts (2 of 4 stars). 3 submissions from 3 submitters: Benign (3). Last evaluated 2025-11-24.

Conditions:
Osteogenesis imperfecta type I (OI1). Also called: Osteogenesis imperfecta type 1; Lobstein's Disease; Classic Non-deforming Osteogenesis Imperfecta with Blue Sclerae; OI, TYPE I; OSTEOGENESIS IMPERFECTA TARDA; OSTEOGENESIS IMPERFECTA WITH BLUE SCLERAE. Identifiers: Orphanet 216796, Orphanet 666, MedGen C0023931, MONDO:0008146, OMIM 166200. Disease mechanism: loss of function.

Allele frequency attached by ClinVar (database versions not stated): gnomAD 0.00004 and 0.00005; TOPMed 0.00009.
gnomAD v4.1: 83 of 1,613,798 alleles (0.0051%); highest among the groups gnomAD compares: Admixed American, 0.14%; no homozygotes.

Submissions (3):

Labcorp Genetics (formerly Invitae), Labcorp
Classification: Benign for Osteogenesis imperfecta type I. Last evaluated: 2025-11-24. Review status: criteria provided, single submitter. Criteria: Invitae Variant Classification Sherloc (09022015). Collection method: clinical testing. Allele origin: germline.

Women's Health and Genetics/Laboratory Corporation of America, LabCorp
Classification: Benign. Last evaluated: 2025-07-07. Review status: criteria provided, single submitter. Criteria: LabCorp Variant Classification Summary - May 2015. Collection method: clinical testing. Allele origin: germline.

Athena Diagnostics
Classification: Benign. Last evaluated: 2025-04-17. Review status: criteria provided, single submitter. Criteria: Athena Diagnostics Criteria. Collection method: clinical testing. Allele origin: unknown.
Comment: The frequency of this variant in the general population is higher than would generally be expected for pathogenic variants in this gene.

NM_000088.4(COL1A1):c.589-18T>G

Gene: COL1A1 (collagen type I alpha 1 chain; minus strand). Cytogenetic location: 17q21.33.
Variant type: single nucleotide variant.
Coding change: c.589-18T>G on transcript NM_000088.4 (MANE Select); 18 bases into the intron before coding-DNA position 589, T replaced by G.
Molecular consequence: intron variant.
Genome position (GRCh38, 1-based): chr17:50,198,020, A>C on the plus strand (T>G on the coding strand, the complement: COL1A1 is on the minus strand). VCF-style: chr17-50198020-A-C. GRCh37 (hg19) VCF-style: chr17-48275381-A-C.
Other names: c.589-18T>G (NM_000088.3).
Identifiers: ClinVar variation 1612056 (VCV001612056.10), dbSNP rs775985897, ClinGen allele CA8645642.
Genomic context (GRCh38, chr17:50,198,020, plus strand): 5'-GCTCGCCAGGCTCACCAGGGGGACCTTGGAAGCCTTGGGGACCCTTGAGAAGAAGGAAAA[A>C]GATGGGTTAGAAGACAAGTCCCTGTCAACCTTCTCCAATCTTACCAAGAGATCTCTGAGC-3'